The following is an entry in ClinVar:

ClinVar aggregate classification (germline): Pathogenic (1 of 4 stars; one submission).

Conditions:
Ataxia-telangiectasia syndrome (AT). Also called: ATAXIA-TELANGIECTASIA, COMPLEMENTATION GROUP A; ATAXIA-TELANGIECTASIA, FRESNO VARIANT; LOUIS-BAR SYNDROME; Ataxia telangiectasia (A-T); Cerebello-oculocutaneous telangiectasia; Immunodeficiency with ataxia telangiectasia. Identifiers: Orphanet 100, MedGen C0004135, MONDO:0008840, OMIM 208900.

Submission:

Neurology, Jichi Medical University
Classification: Pathogenic for Ataxia-telangiectasia syndrome. Last evaluated: 2019-04-05. Review status: criteria provided, single submitter. Criteria: ACMG Guidelines, 2015. Collection method: clinical testing. Allele origin: unknown. Inheritance: Autosomal recessive inheritance. Affected: yes. Observed: 3 variant alleles, 2 homozygotes, 1 hemizygote.
Comment: late-onset variant ataxia-telangiectasia

NM_000051.4(ATM):c.496G>C (p.Glu166Gln)

Gene: ATM (ATM serine/threonine kinase; plus strand). Cytogenetic location: 11q22.3.
Variant type: single nucleotide variant.
Coding change: c.496G>C on transcript NM_000051.4 (MANE Select); coding-DNA position 496, G replaced by C.
Protein change: p.Glu166Gln; replaces glutamic acid 166 with glutamine.
Molecular consequence: missense variant.
Genome position (GRCh38, 1-based): chr11:108,235,834, G>C. VCF-style: chr11-108235834-G-C. GRCh37 (hg19) VCF-style: chr11-108106561-G-C.
Other names: c.496G>C, p.Glu166Gln (NM_001351834.2); short protein forms E166Q.
Identifiers: ClinVar variation 627570 (VCV000627570.4), dbSNP rs1565357473, ClinGen allele CA382525785.